The following is an entry in ClinVar:

NM_001854.4(COL11A1):c.4303-3T>G

Gene: COL11A1 (collagen type XI alpha 1 chain; minus strand). Cytogenetic location: 1p21.1.
Variant type: single nucleotide variant.
Coding change: c.4303-3T>G on transcript NM_001854.4 (MANE Select); 3 bases into the intron before coding-DNA position 4303, T replaced by G.
Molecular consequence: intron variant.
Genome position (GRCh38, 1-based): chr1:102,890,507, A>C on the plus strand (T>G on the coding strand, the complement: COL11A1 is on the minus strand). VCF-style: chr1-102890507-A-C. GRCh37 (hg19) VCF-style: chr1-103356063-A-C.
Other names: c.4186-3T>G (NM_001190709.2); c.4339-3T>G (NM_080629.3); c.3955-3T>G (NM_080630.4).
Identifiers: ClinVar variation 1487243 (VCV001487243.6), dbSNP rs2100864517, ClinGen allele CA2573130868.
Genomic context (GRCh38, chr1:102,890,507, plus strand): 5'-TCACCTTTTCACCCTTGGAGCCAGGGTCACCTTTGAGACCAGGTAAGCCAGGAGGTCCCT[A>C]AATAATAACAAAAAAAAAACCCCAAAACAAAAACAGAGTAGGTATGAATTAGAGAATCCT-3'

ClinVar aggregate classification (germline): Uncertain significance (1 of 4 stars; one submission).

Submission:

Labcorp Genetics (formerly Invitae), Labcorp
Classification: Uncertain significance. Last evaluated: 2021-11-06. Review status: criteria provided, single submitter. Criteria: Invitae Variant Classification Sherloc (09022015). Collection method: clinical testing. Allele origin: germline.
Comment: This variant has not been reported in the literature in individuals affected with COL11A1-related conditions. Variants that disrupt the consensus splice site are a relatively common cause of aberrant splicing (PMID: 17576681, 9536098). Algorithms developed to predict the effect of sequence changes on RNA splicing suggest that this variant may disrupt the consensus splice site. This sequence change falls in intron 57 of the COL11A1 gene. It does not directly change the encoded amino acid sequence of the COL11A1 protein. It affects a nucleotide within the consensus splice site. This variant is not present in population databases (gnomAD no frequency). In summary, the available evidence is currently insufficient to determine the role of this variant in disease. Therefore, it has been classified as a Variant of Uncertain Significance.

Literature cited by the submitters: PubMed 17576681; PubMed 9536098.